The following is an entry in ClinVar:

NM_001164665.2(KIAA1549):c.3847C>T (p.Pro1283Ser)

Gene: KIAA1549 (KIAA1549; minus strand). Cytogenetic location: 7q34.
Variant type: single nucleotide variant.
Coding change: c.3847C>T on transcript NM_001164665.2 (MANE Select); coding-DNA position 3847, C replaced by T.
Protein change: p.Pro1283Ser; replaces proline 1283 with serine.
Molecular consequence: missense variant.
Genome position (GRCh38, 1-based): chr7:138,898,955, G>A on the plus strand (C>T on the coding strand, the complement: KIAA1549 is on the minus strand). VCF-style: chr7-138898955-G-A. GRCh37 (hg19) VCF-style: chr7-138583701-G-A.
Other names: c.3847C>T, p.Pro1283Ser (NM_020910.3); short protein forms P1283S.
Identifiers: ClinVar variation 1930403 (VCV001930403.5), dbSNP rs1447857490, ClinGen allele CA369381146.

ClinVar aggregate classification (germline): Uncertain significance. Review status: criteria provided, multiple submitters, no conflicts (2 of 4 stars). 2 submissions from 2 submitters: Uncertain significance (2). Last evaluated 2024-08-20.

Allele frequency attached by ClinVar (database versions not stated): gnomAD 0.00001.
gnomAD v4.1: 11 of 1,613,552 alleles (0.00068%); highest among the groups gnomAD compares: Non-Finnish European, 0.00093%; no homozygotes.

Submissions (2):

Blueprint Genetics
Classification: Uncertain significance. Last evaluated: 2024-08-20. Review status: criteria provided, single submitter. Criteria: ACMG Guidelines, 2015. Collection method: clinical testing. Allele origin: germline.

Labcorp Genetics (formerly Invitae), Labcorp
Classification: Uncertain significance. Last evaluated: 2022-03-26. Review status: criteria provided, single submitter. Criteria: Invitae Variant Classification Sherloc (09022015). Collection method: clinical testing. Allele origin: germline.
Comment: In summary, the available evidence is currently insufficient to determine the role of this variant in disease. Therefore, it has been classified as a Variant of Uncertain Significance. Algorithms developed to predict the effect of missense changes on protein structure and function are either unavailable or do not agree on the potential impact of this missense change (SIFT: "Deleterious"; PolyPhen-2: "Probably Damaging"; Align-GVGD: "Class C0"). This variant has not been reported in the literature in individuals affected with KIAA1549-related conditions. This variant is not present in population databases (gnomAD no frequency). This sequence change replaces proline, which is neutral and non-polar, with serine, which is neutral and polar, at codon 1283 of the KIAA1549 protein (p.Pro1283Ser).